The following is an entry in ClinVar:

ClinVar aggregate classification (germline): Benign. Review status: criteria provided, multiple submitters, no conflicts (2 of 4 stars). 2 submissions from 2 submitters: Benign (2). Last evaluated 2018-06-19.

Allele frequency attached by ClinVar (database versions not stated): gnomAD 0.15058 and 0.15830; TOPMed 0.15643; gnomAD exomes 0.16332; 1000 Genomes Project 30x 0.23376; 1000 Genomes Project 0.24141.
gnomAD v4.1: 90,759 of 561,240 alleles (16%); highest among the groups gnomAD compares: East Asian, 56%; 10,185 homozygotes.

Submissions (2):

GeneDx
Classification: Benign. Last evaluated: 2018-06-19. Review status: criteria provided, single submitter. Criteria: GeneDx Variant Classification (06012015). Collection method: clinical testing. Allele origin: germline. Affected: yes.
Comment: This variant is considered likely benign or benign based on one or more of the following criteria: it is a conservative change, it occurs at a poorly conserved position in the protein, it is predicted to be benign by multiple in silico algorithms, and/or has population frequency not consistent with disease.

Breakthrough Genomics
Classification: Benign. Review status: criteria provided, single submitter. Criteria: ACMG Guidelines, 2015. Collection method: not provided. Allele origin: germline. Inheritance: Autosomal dominant inheritance. Affected: yes.

NM_001035.3(RYR2):c.49-273C>T

Gene: RYR2 (ryanodine receptor 2; plus strand). Cytogenetic location: 1q43.
Variant type: single nucleotide variant.
Coding change: c.49-273C>T on transcript NM_001035.3 (MANE Select); 273 bases into the intron before coding-DNA position 49, C replaced by T.
Molecular consequence: intron variant.
Genome position (GRCh38, 1-based): chr1:237,270,224, C>T. VCF-style: chr1-237270224-C-T. GRCh37 (hg19) VCF-style: chr1-237433524-C-T.
Identifiers: ClinVar variation 668912 (VCV000668912.2), dbSNP rs2275288, ClinGen allele CA10994209.